The following is an entry in ClinVar:

NM_001330260.2(SCN8A):c.2942G>T (p.Ser981Ile)

Gene: SCN8A (sodium voltage-gated channel alpha subunit 8; plus strand). Cytogenetic location: 12q13.13.
Variant type: single nucleotide variant.
Coding change: c.2942G>T on transcript NM_001330260.2 (MANE Select); coding-DNA position 2942, G replaced by T.
Protein change: p.Ser981Ile; replaces serine 981 with isoleucine.
Molecular consequence: missense variant.
Genome position (GRCh38, 1-based): chr12:51,768,905, G>T. VCF-style: chr12-51768905-G-T. GRCh37 (hg19) VCF-style: chr12-52162689-G-T.
Other names: c.2942G>T, p.Ser981Ile (NM_001177984.3, NM_001369788.1, NM_014191.4); short protein forms S981I.
Identifiers: ClinVar variation 1997152 (VCV001997152.4), dbSNP rs2540265574, ClinGen allele CA384891816.

ClinVar aggregate classification (germline): Pathogenic (1 of 4 stars; one submission).

Conditions:
Early-infantile DEE. Also called: Ohtahara syndrome; Early infantile epileptic encephalopathy; Early infantile epileptic encephalopathy with suppression bursts. Identifiers: Orphanet 1934, MedGen C0393706, MONDO:0800491.

Submission:

Labcorp Genetics (formerly Invitae), Labcorp
Classification: Pathogenic for Early-infantile DEE. Last evaluated: 2023-03-23. Review status: criteria provided, single submitter. Criteria: Invitae Variant Classification Sherloc (09022015). Collection method: clinical testing. Allele origin: germline.
Comment: This sequence change replaces serine, which is neutral and polar, with isoleucine, which is neutral and non-polar, at codon 981 of the SCN8A protein (p.Ser981Ile). This variant is not present in population databases (gnomAD no frequency). This missense change has been observed in individual(s) with clinical features of developmental and epileptic encephalopathy (Invitae). In at least one individual the variant was observed to be de novo. ClinVar contains an entry for this variant (Variation ID: 1997152). Advanced modeling of protein sequence and biophysical properties (such as structural, functional, and spatial information, amino acid conservation, physicochemical variation, residue mobility, and thermodynamic stability) performed at Invitae indicates that this missense variant is expected to disrupt SCN8A protein function. For these reasons, this variant has been classified as Pathogenic.